The following is an entry in ClinVar:

NM_024675.4(PALB2):c.3135C>T (p.Leu1045=)

Gene: PALB2 (partner and localizer of BRCA2; minus strand). Cytogenetic location: 16p12.2.
Variant type: single nucleotide variant.
Coding change: c.3135C>T on transcript NM_024675.4 (MANE Select); coding-DNA position 3135, C replaced by T.
Protein change: p.Leu1045=; no amino-acid change (leucine 1045 retained).
Molecular consequence: synonymous variant.
Genome position (GRCh38, 1-based): chr16:23,614,070, G>A on the plus strand (C>T on the coding strand, the complement: PALB2 is on the minus strand). VCF-style: chr16-23614070-G-A. GRCh37 (hg19) VCF-style: chr16-23625391-G-A.
Identifiers: ClinVar variation 830196 (VCV000830196.2), dbSNP rs1966636406, ClinGen allele CA494177723.

ClinVar aggregate classification (germline): Likely benign. Review status: criteria provided, single submitter (1 of 4 stars). 2 submissions from 2 submitters: Likely benign (1). 1 of the submissions does not count toward it. Last evaluated 2026-03-06.

Conditions:
Hereditary cancer-predisposing syndrome. Also called: Hereditary Cancer Syndrome; Tumor predisposition; Neoplastic Syndromes, Hereditary; Hereditary neoplastic syndrome. Identifiers: Orphanet 140162, MedGen C0027672, MeSH D009386, MONDO:0015356.

Allele frequency attached by ClinVar (database versions not stated): gnomAD exomes below 0.00001.
gnomAD v4.1: 1 of 1,612,416 alleles (0.000062%); highest among the groups gnomAD compares: Non-Finnish European, 0.000085%; no homozygotes.

Submissions (2):

Ambry Genetics
Classification: Likely benign for Hereditary cancer-predisposing syndrome. Last evaluated: 2026-03-06. Review status: criteria provided, single submitter. Criteria: Ambry Variant Classification Scheme 2023. Collection method: clinical testing. Allele origin: germline.

Leiden Open Variation Database
Classification: Uncertain significance. Last evaluated: 2018-08-25. Review status: no assertion criteria provided. Collection method: curation. Allele origin: germline. Affected: yes. Not counted in ClinVar's aggregate classification.
Comment: Curators: Marc Tischkowitz, Arleen D. Auerbach. Submitter to LOVD: Yukihide Momozawa.

Literature cited by the submitters: PubMed 30287823 (cited by Leiden Open Variation Database).